The following is an entry in ClinVar:

NM_001105206.3(LAMA4):c.3953C>G (p.Ser1318Cys)

Gene: LAMA4 (laminin subunit alpha 4; minus strand). Cytogenetic location: 6q21.
Variant type: single nucleotide variant.
Coding change: c.3953C>G on transcript NM_001105206.3 (MANE Select); coding-DNA position 3953, C replaced by G.
Protein change: p.Ser1318Cys; replaces serine 1318 with cysteine.
Molecular consequence: missense variant.
Genome position (GRCh38, 1-based): chr6:112,130,983, G>C on the plus strand (C>G on the coding strand, the complement: LAMA4 is on the minus strand). VCF-style: chr6-112130983-G-C. GRCh37 (hg19) VCF-style: chr6-112452185-G-C.
Other names: c.3932C>G, p.Ser1311Cys (NM_001105207.3, NM_002290.5); short protein forms S1311C, S1318C.
Identifiers: ClinVar variation 3866203 (VCV003866203.1).
Genomic context (GRCh38, chr6:112,130,983, plus strand): 5'-CCACAAATAGACATGGTGGAAAGAATATGAAGTGAGGAGCTATACCTTGTGGGTGAGACA[G>C]AGCTAATGACGAAGTGGGACAGCCCATCATTGTACTGCTTATCTACTGACTGAACTTTGA-3'
Protein context (NP_001098676.2, residues 1308-1328): NDGLSHFVIS[Ser1318Cys]VSPTRYELIV

ClinVar aggregate classification (germline): Uncertain significance (1 of 4 stars; one submission).

Conditions:
Cardiovascular phenotype. Identifiers: MedGen CN230736.

gnomAD v4.1: 4 of 1,613,088 alleles (0.00025%); highest among the groups gnomAD compares: African/African-American, 0.004%; no homozygotes.

Submission:

Ambry Genetics
Classification: Uncertain significance for Cardiovascular phenotype. Last evaluated: 2024-12-13. Review status: criteria provided, single submitter. Criteria: Ambry Variant Classification Scheme 2023. Collection method: clinical testing. Allele origin: germline.
Comment: The p.S1311C variant (also known as c.3932C>G), located in coding exon 28 of the LAMA4 gene, results from a C to G substitution at nucleotide position 3932. The serine at codon 1311 is replaced by cysteine, an amino acid with dissimilar properties. This amino acid position is conserved. In addition, the in silico prediction for this alteration is inconclusive. Based on the available evidence, the clinical significance of this variant remains unclear.